The following is an entry in ClinVar:

ClinVar aggregate classification (germline): Conflicting classifications of pathogenicity. Review status: criteria provided, conflicting classifications (1 of 4 stars). 3 submissions from 3 submitters: Uncertain significance (2); Likely benign (1). Last evaluated 2023-06-01.

Conditions:
Intellectual developmental disorder, autosomal recessive 27. Also called: Intellectual disability, autosomal recessive 27; Mental retardation, autosomal recessive 27. Identifiers: Orphanet 88616, MedGen C3280538, MONDO:0013702, OMIM 614340.
Inborn genetic diseases. Identifiers: MedGen C0950123, MeSH D030342.

Allele frequency attached by ClinVar (database versions not stated): gnomAD 0.00038 and 0.00037; TOPMed 0.00038; ExAC 0.00040; ESP Exome Variant Server 0.00023; gnomAD exomes 0.00037.
gnomAD v4.1: 704 of 1,614,104 alleles (0.044%); highest among the groups gnomAD compares: Non-Finnish European, 0.05%; no homozygotes.

Submissions (3):

CeGaT Center for Human Genetics Tuebingen
Classification: Likely benign. Last evaluated: 2023-06-01. Review status: criteria provided, single submitter. Criteria: CeGaT Center For Human Genetics Tuebingen Variant Classification Criteria Version 2. Collection method: clinical testing. Allele origin: germline. Affected: yes. Observed: 1 variant allele.
Comment: LINS1: BP4, BS2

Ambry Genetics
Classification: Uncertain significance for Inborn genetic diseases. Last evaluated: 2019-01-14. Review status: criteria provided, single submitter. Criteria: Ambry Variant Classification Scheme 2023. Collection method: clinical testing. Allele origin: germline.
Comment: The p.G665R variant (also known as c.1993G>A), located in coding exon 6 of the LINS gene, results from a G to A substitution at nucleotide position 1993. The glycine at codon 665 is replaced by arginine, an amino acid with dissimilar properties. This amino acid position is not well conserved in available vertebrate species. In addition, this alteration is predicted to be tolerated by in silico analysis. Since supporting evidence is limited at this time, the clinical significance of this alteration remains unclear.

Baylor Genetics
Classification: Uncertain significance for Intellectual developmental disorder, autosomal recessive 27. Last evaluated: 2018-10-28. Review status: criteria provided, single submitter. Criteria: ACMG Guidelines, 2015. Collection method: clinical testing. Allele origin: maternal. Affected: yes.
Comment: This variant was determined to be of uncertain significance according to ACMG Guidelines, 2015 [PMID:25741868].

NM_001040616.3(LINS1):c.1993G>A (p.Gly665Arg)

Gene: LINS1 (lines homolog 1; minus strand). Cytogenetic location: 15q26.3.
Variant type: single nucleotide variant.
Coding change: c.1993G>A on transcript NM_001040616.3 (MANE Select); coding-DNA position 1993, G replaced by A.
Protein change: p.Gly665Arg; replaces glycine 665 with arginine.
Molecular consequence: missense variant. On other transcripts: non-coding transcript variant (3).
Genome position (GRCh38, 1-based): chr15:100,569,519, C>T on the plus strand (G>A on the coding strand, the complement: LINS1 is on the minus strand). VCF-style: chr15-100569519-C-T. GRCh37 (hg19) VCF-style: chr15-101109724-C-T.
Other names: c.1246G>A, p.Gly416Arg (NM_001352507.2); c.1840G>A, p.Gly614Arg (NM_001352508.2); short protein forms G665R, G416R, G614R.
Identifiers: ClinVar variation 588781 (VCV000588781.29), dbSNP rs140140023, ClinGen allele CA7759290.